The following is an entry in ClinVar:

ClinVar aggregate classification (germline): Uncertain significance (1 of 4 stars; one submission).

Allele frequency attached by ClinVar (database versions not stated): TOPMed 0.00003; gnomAD 0.00004; ExAC 0.00008.
gnomAD v4.1: 74 of 1,613,932 alleles (0.0046%); highest among the groups gnomAD compares: Admixed American, 0.047%; no homozygotes.

Submission:

Labcorp Genetics (formerly Invitae), Labcorp
Classification: Uncertain significance. Last evaluated: 2025-11-24. Review status: criteria provided, single submitter. Criteria: Invitae Variant Classification Sherloc (09022015). Collection method: clinical testing. Allele origin: germline.
Comment: This sequence change replaces arginine, which is basic and polar, with tryptophan, which is neutral and slightly polar, at codon 625 of the VPS13D protein (p.Arg625Trp). This variant is present in population databases (rs747960751, gnomAD 0.07%). This variant has not been reported in the literature in individuals affected with VPS13D-related conditions. ClinVar contains an entry for this variant (Variation ID: 2061937). Invitae Evidence Modeling of protein sequence and biophysical properties (such as structural, functional, and spatial information, amino acid conservation, physicochemical variation, residue mobility, and thermodynamic stability) has been performed for this missense variant. However, the output from this modeling did not meet the statistical confidence thresholds required to predict the impact of this variant on VPS13D protein function. In summary, the available evidence is currently insufficient to determine the role of this variant in disease. Therefore, it has been classified as a Variant of Uncertain Significance.

NM_015378.4(VPS13D):c.1873C>T (p.Arg625Trp)

Gene: VPS13D (vacuolar protein sorting 13 homolog D; plus strand). Cytogenetic location: 1p36.22.
Variant type: single nucleotide variant.
Coding change: c.1873C>T on transcript NM_015378.4 (MANE Select); coding-DNA position 1873, C replaced by T.
Protein change: p.Arg625Trp; replaces arginine 625 with tryptophan.
Molecular consequence: missense variant.
Genome position (GRCh38, 1-based): chr1:12,268,777, C>T. VCF-style: chr1-12268777-C-T. GRCh37 (hg19) VCF-style: chr1-12328834-C-T.
Other names: c.1873C>T, p.Arg625Trp (NM_018156.4); short protein forms R625W.
Identifiers: ClinVar variation 2061937 (VCV002061937.3), dbSNP rs747960751, ClinGen allele CA601669.
Genomic context (GRCh38, chr1:12,268,777, plus strand): 5'-GATGGCCCCGTTTTTGAGATGCTGTATGAGAGAAATCCGGCGCACAGCCACTTTGAGAGG[C>T]GGCTCAATGTCAGCACAAGGCCCTTGAACATCATATACAATCCGCAGGCCATTAAAAAAG-3'
Protein context (NP_056193.2, residues 615-635): RNPAHSHFER[Arg625Trp]LNVSTRPLNI